The following is an entry in ClinVar:

ClinVar aggregate classification (germline): Likely benign (1 of 4 stars; one submission).

Conditions:
Breast-ovarian cancer, familial, susceptibility to, 3. Also called: RAD51C-Related Breast/Ovarian Cancer. Identifiers: Orphanet 145, MedGen C3150659, MONDO:0013253, OMIM 613399.

Submission:

Myriad Genetics, Inc.
Classification: Likely benign for Breast-ovarian cancer, familial, susceptibility to, 3. Last evaluated: 2025-02-18. Review status: criteria provided, single submitter. Criteria: Myriad Autosomal Dominant, Autosomal Recessive and X-Linked Classification Criteria (2023). Collection method: clinical testing. Allele origin: unknown.
Comment: This variant is considered likely benign. This variant is intronic and is not expected to impact mRNA splicing.

NM_058216.3(RAD51C):c.706-19T>C

Gene: RAD51C (RAD51 paralog C; plus strand). Cytogenetic location: 17q22.
Variant type: single nucleotide variant.
Coding change: c.706-19T>C on transcript NM_058216.3 (MANE Select); 19 bases into the intron before coding-DNA position 706, T replaced by C.
Molecular consequence: intron variant.
Genome position (GRCh38, 1-based): chr17:58,709,840, T>C. VCF-style: chr17-58709840-T-C. GRCh37 (hg19) VCF-style: chr17-56787201-T-C.
Identifiers: ClinVar variation 3903489 (VCV003903489.1).
Genomic context (GRCh38, chr17:58,709,840, plus strand): 5'-CTCTTGGAGAGAGAGAGCATTTTTATTATTATTATTTTATTTTTCGTAACAAATCTAATA[T>C]TATCTCTTCTGTATTTAGGTTCGACTAGTGATAGTGGATGGTATTGCTTTTCCATTTCGT-3'